The following is an entry in ClinVar:

NM_003995.4(NPR2):c.2159G>A (p.Arg720His)

Gene: NPR2 (natriuretic peptide receptor 2; plus strand). Cytogenetic location: 9p13.3.
Variant type: single nucleotide variant.
Coding change: c.2159G>A on transcript NM_003995.4 (MANE Select); coding-DNA position 2159, G replaced by A.
Protein change: p.Arg720His; replaces arginine 720 with histidine.
Molecular consequence: missense variant.
Genome position (GRCh38, 1-based): chr9:35,805,941, G>A. VCF-style: chr9-35805941-G-A. GRCh37 (hg19) VCF-style: chr9-35805938-G-A.
Other names: c.2168G>A, p.Arg723His (NM_001378923.1); short protein forms R723H, R720H.
Identifiers: ClinVar variation 2925776 (VCV002925776.3), dbSNP rs568622084, ClinGen allele CA5051906.

ClinVar aggregate classification (germline): Uncertain significance (1 of 4 stars; one submission).

Conditions:
Acromesomelic dysplasia 1, Maroteaux type (AMD1). Also called: ST. HELENA DYSPLASIA; ACROMESOMELIC DYSPLASIA 1. Identifiers: Orphanet 40, MedGen C1864356, MONDO:0011275, OMIM 602875.
Tall stature-scoliosis-macrodactyly of the great toes syndrome. Also called: Epiphyseal chondrodysplasia, miura type. Identifiers: Orphanet 329191, MedGen C4014690, MONDO:0014401, OMIM 615923.

Allele frequency attached by ClinVar (database versions not stated): ExAC 0.00001; gnomAD 0.00001; gnomAD exomes 0.00002; TOPMed 0.00002; 1000 Genomes Project 30x 0.00016; 1000 Genomes Project 0.00020.

Submission:

Labcorp Genetics (formerly Invitae), Labcorp
Classification: Uncertain significance for Tall stature-scoliosis-macrodactyly of the great toes syndrome; Acromesomelic dysplasia 1, Maroteaux type. Last evaluated: 2025-06-17. Review status: criteria provided, single submitter. Criteria: Invitae Variant Classification Sherloc (09022015). Collection method: clinical testing. Allele origin: germline.
Comment: This sequence change replaces arginine, which is basic and polar, with histidine, which is basic and polar, at codon 720 of the NPR2 protein (p.Arg720His). This variant is present in population databases (rs568622084, gnomAD 0.01%). This variant has not been reported in the literature in individuals affected with NPR2-related conditions. ClinVar contains an entry for this variant (Variation ID: 2925776). Invitae Evidence Modeling of protein sequence and biophysical properties (such as structural, functional, and spatial information, amino acid conservation, physicochemical variation, residue mobility, and thermodynamic stability) indicates that this missense variant is not expected to disrupt NPR2 protein function with a negative predictive value of 80%. In summary, the available evidence is currently insufficient to determine the role of this variant in disease. Therefore, it has been classified as a Variant of Uncertain Significance.